The following is an entry in ClinVar:

ClinVar aggregate classification (germline): Likely benign (1 of 4 stars; one submission).

Allele frequency attached by ClinVar (database versions not stated): 1000 Genomes Project 0.00100; 1000 Genomes Project 30x 0.00125; ExAC 0.00126; ESP Exome Variant Server 0.00131; gnomAD 0.00131; TOPMed 0.00139.
gnomAD v4.1: 1,366 of 1,551,606 alleles (0.088%); highest among the groups gnomAD compares: African/African-American, 0.31%; 2 homozygotes.

Submission:

CeGaT Center for Human Genetics Tuebingen
Classification: Likely benign. Last evaluated: 2022-08-01. Review status: criteria provided, single submitter. Criteria: CeGaT Center For Human Genetics Tuebingen Variant Classification Criteria Version 2. Collection method: clinical testing. Allele origin: germline. Affected: yes. Observed: 1 variant allele.
Comment: C16orf96: BP4, BP7

NM_001145011.2(C16orf96):c.243C>T (p.Phe81=)

Gene: C16orf96 (chromosome 16 open reading frame 96; plus strand). Cytogenetic location: 16p13.3.
Variant type: single nucleotide variant.
Coding change: c.243C>T on transcript NM_001145011.2 (MANE Select); coding-DNA position 243, C replaced by T.
Protein change: p.Phe81=; no amino-acid change (phenylalanine 81 retained).
Molecular consequence: synonymous variant.
Genome position (GRCh38, 1-based): chr16:4,556,732, C>T. VCF-style: chr16-4556732-C-T. GRCh37 (hg19) VCF-style: chr16-4606733-C-T.
Other names: c.243C>T, p.Phe81= (NM_001387219.1).
Identifiers: ClinVar variation 2646151 (VCV002646151.24), dbSNP rs112579371, ClinGen allele CA7877175.